The following is an entry in ClinVar:

NM_013275.6(ANKRD11):c.6031_6041del (p.Ser2011fs)

Gene: ANKRD11 (ankyrin repeat domain 11; minus strand). Cytogenetic location: 16q24.3.
Variant type: Deletion.
Coding change: c.6031_6041del on transcript NM_013275.6 (MANE Select); coding-DNA positions 6031 to 6041, 11 bases deleted (TCGGAGGCGCC).
Protein change: p.Ser2011fs; shifts the reading frame from serine 2011.
Molecular consequence: frameshift variant.
Genome position (GRCh38, 1-based): chr16:89,280,501-89,280,511, GGCGCCTCCGA deleted on the plus strand (TCGGAGGCGCC on the coding strand, the reverse complement: ANKRD11 is on the minus strand); deleting any 11 consecutive bases within chr16:89,280,501-89,280,516 gives the same sequence; the c. name uses the placement nearest the transcript's 3' end. VCF-style (leftmost placement, unchanged base first): chr16-89280500-CGGCGCCTCCGA-C. GRCh37 (hg19) VCF-style: chr16-89346908-CGGCGCCTCCGA-C.
Other names: c.6031_6041del, p.Ser2011fs (NM_001256182.2, NM_001256183.2); short protein forms S2011fs.
Identifiers: ClinVar variation 817986 (VCV000817986.6), dbSNP rs1597441860, ClinGen allele CA915949412.

ClinVar aggregate classification (germline): Pathogenic. Review status: criteria provided, multiple submitters, no conflicts (2 of 4 stars). 3 submissions from 3 submitters: Pathogenic (3). Last evaluated 2022-05-27.

Conditions:
KBG syndrome (KBGS). Also called: ANKRD11-Related KBG Syndrome. Identifiers: Orphanet 2332, MedGen C0220687, MONDO:0007846, OMIM 148050.

Submissions (3):

Clinical Genetics Laboratory, Skane University Hospital Lund
Classification: Pathogenic. Last evaluated: 2022-05-27. Review status: criteria provided, single submitter. Criteria: ACMG Guidelines, 2015. Collection method: clinical testing. Allele origin: germline. Affected: yes.

Labcorp Genetics (formerly Invitae), Labcorp
Classification: Pathogenic for KBG syndrome. Last evaluated: 2022-02-23. Review status: criteria provided, single submitter. Criteria: Invitae Variant Classification Sherloc (09022015). Collection method: clinical testing. Allele origin: germline.
Comment: This variant is not present in population databases (gnomAD no frequency). This sequence change creates a premature translational stop signal (p.Ser2011Valfs*17) in the ANKRD11 gene. It is expected to result in an absent or disrupted protein product. Loss-of-function variants in ANKRD11 are known to be pathogenic (PMID: 21782149, 25125236, 25413698, 25652421). This variant has not been reported in the literature in individuals affected with ANKRD11-related conditions. ClinVar contains an entry for this variant (Variation ID: 817986). For these reasons, this variant has been classified as Pathogenic.

GeneDx
Classification: Pathogenic. Last evaluated: 2019-01-15. Review status: criteria provided, single submitter. Criteria: GeneDx Variant Classification (06012015). Collection method: clinical testing. Allele origin: germline. Affected: yes.
Comment: The c.6031_6041del11 variant in the ANKRD11 gene has not been reported previously as a pathogenic variant nor as a benign variant, to our knowledge. The c.6031_6041del11 variant causes a frameshift starting with codon Serine 2011, changes this amino acid to a Valine residue, and creates a premature Stop codon at position 17 of the new reading frame, denoted p.Ser2011ValfsX17. This variant is predicted to cause loss of normal protein function either through protein truncation or nonsense-mediated mRNA decay. The c.6031_6041del11 variant is not observed in large population cohorts (Lek et al., 2016). We interpret c.6031_6041del11 as a pathogenic variant

Literature cited by the submitters: PubMed 21782149 (cited by Labcorp Genetics (formerly Invitae), Labcorp); PubMed 25125236 (cited by Labcorp Genetics (formerly Invitae), Labcorp); PubMed 25413698 (cited by Labcorp Genetics (formerly Invitae), Labcorp); PubMed 25652421 (cited by Labcorp Genetics (formerly Invitae), Labcorp).